The following is an entry in ClinVar:

ClinVar aggregate classification (germline): Uncertain significance (1 of 4 stars; one submission).

Conditions:
Chédiak-Higashi syndrome (CHS). Also called: Chediak-Higashi Syndrome. Identifiers: Orphanet 167, MedGen C0007965, MONDO:0008963, OMIM 214500.

Allele frequency attached by ClinVar (database versions not stated): gnomAD exomes below 0.00001.
gnomAD v4.1: 1 of 1,614,004 alleles (0.000062%); highest among the groups gnomAD compares: Non-Finnish European, 0.000085%; no homozygotes.

Submission:

Labcorp Genetics (formerly Invitae), Labcorp
Classification: Uncertain significance for Chédiak-Higashi syndrome. Last evaluated: 2022-08-10. Review status: criteria provided, single submitter. Criteria: Invitae Variant Classification Sherloc (09022015). Collection method: clinical testing. Allele origin: germline.
Comment: This sequence change replaces glutamine, which is neutral and polar, with arginine, which is basic and polar, at codon 324 of the LYST protein (p.Gln324Arg). This variant is present in population databases (no rsID available, gnomAD 0.01%). This variant has not been reported in the literature in individuals affected with LYST-related conditions. Algorithms developed to predict the effect of missense changes on protein structure and function are either unavailable or do not agree on the potential impact of this missense change (SIFT: "Tolerated"; PolyPhen-2: "Probably Damaging"; Align-GVGD: "Class C0"). In summary, the available evidence is currently insufficient to determine the role of this variant in disease. Therefore, it has been classified as a Variant of Uncertain Significance.

NM_000081.4(LYST):c.971A>G (p.Gln324Arg)

Gene: LYST (lysosomal trafficking regulator; minus strand). Cytogenetic location: 1q42.3.
Variant type: single nucleotide variant.
Coding change: c.971A>G on transcript NM_000081.4 (MANE Select); coding-DNA position 971, A replaced by G.
Protein change: p.Gln324Arg; replaces glutamine 324 with arginine.
Molecular consequence: missense variant.
Genome position (GRCh38, 1-based): chr1:235,809,847, T>C on the plus strand (A>G on the coding strand, the complement: LYST is on the minus strand). VCF-style: chr1-235809847-T-C. GRCh37 (hg19) VCF-style: chr1-235973147-T-C.
Other names: c.971A>G, p.Gln324Arg (NM_001301365.1); short protein forms Q324R.
Identifiers: ClinVar variation 2183497 (VCV002183497.1), dbSNP rs1353234323, ClinGen allele CA344963606.